The following is an entry in ClinVar:

NM_000540.3(RYR1):c.2687G>A (p.Arg896Gln)

Gene: RYR1 (ryanodine receptor 1; plus strand). Cytogenetic location: 19q13.2.
Variant type: single nucleotide variant.
Coding change: c.2687G>A on transcript NM_000540.3 (MANE Select); coding-DNA position 2687, G replaced by A.
Protein change: p.Arg896Gln; replaces arginine 896 with glutamine.
Molecular consequence: missense variant.
Genome position (GRCh38, 1-based): chr19:38,463,751, G>A. VCF-style: chr19-38463751-G-A. GRCh37 (hg19) VCF-style: chr19-38954391-G-A.
Other names: c.2687G>A, p.Arg896Gln (NM_001042723.2); short protein forms R896Q.
Identifiers: ClinVar variation 590506 (VCV000590506.32), dbSNP rs147515913, ClinGen allele CA063789.
Genomic context (GRCh38, chr19:38,463,751, plus strand): 5'-TGTGGGGAGTGGGAAGGAAAGGGGAGCACATGGAGTTGACCCTGGGTTTTCTCCAGGTTC[G>A]GGATGACAACAAGAGGCTGCACCCGTGTCTTGTGGACTTCCACAGCCTTCCAGAGCCTGA-3'
Protein context (NP_000531.2, residues 886-906): IEQGWTYGPV[Arg896Gln]DDNKRLHPCL

ClinVar aggregate classification (germline): Uncertain significance. Review status: criteria provided, multiple submitters, no conflicts (2 of 4 stars). 14 submissions from 13 submitters: Uncertain significance (14). Last evaluated 2026-03-01.

Conditions:
Congenital multicore myopathy with external ophthalmoplegia (CMYO1B). Also called: MULTICORE MYOPATHY; Congenital myopathy 1B, autosomal recessive; Minicore myopathy; MULTIMINICORE DISEASE WITH EXTERNAL OPHTHALMOPLEGIA; Minicore myopathy with external ophthalmoplegia. Identifiers: Orphanet 598, Orphanet 98905, MedGen C1850674, MONDO:0009712, OMIM 255320, HP:0003789.
Congenital myopathy with fiber type disproportion. Also called: Congenital fiber-type disproportion myopathy; Congenital fiber-type disproportion. Identifiers: Orphanet 2020, MedGen C0546264, MONDO:0009711. Inheritance: all.
Malignant hyperthermia, susceptibility to, 1 (MHS1). Also called: RYR1-Related Malignant Hyperthermia Susceptibility; Malignant hyperthermia suceptibility 1; Anesthesia related hyperthermia; Malignant hyperpyrexia; Fulminating hyperpyrexia; Pharmacogenic myopathy. Identifiers: Orphanet 423, MedGen C2930980, MONDO:0007783, OMIM 145600.
Central core myopathy (CMYO1A). Also called: CONGENITAL MYOPATHY 1A, AUTOSOMAL DOMINANT, WITH SUSCEPTIBILITY TO MALIGNANT HYPERTHERMIA; Central core disease; Myopathy, central fibrillar. Identifiers: Orphanet 597, MedGen C5830701, MONDO:0007294, OMIM 117000.
King Denborough syndrome (KDS). Identifiers: MedGen C1840365, MONDO:0020485, OMIM 619542.
RYR1-related disorder. Also called: RYR1-related disorders; RYR1-related condition. Identifiers: MedGen CN239331.

Allele frequency attached by ClinVar (database versions not stated): ESP Exome Variant Server 0.00008; gnomAD 0.00012 and 0.00013; TOPMed 0.00015; gnomAD exomes 0.00017 and 0.00024; ExAC 0.00028.
gnomAD v4.1: 264 of 1,613,926 alleles (0.016%); highest among the groups gnomAD compares: Middle Eastern, 0.033%; no homozygotes.

Submissions (14):

CeGaT Center for Human Genetics Tuebingen
Classification: Uncertain significance. Last evaluated: 2026-03-01. Review status: criteria provided, single submitter. Criteria: CeGaT Center For Human Genetics Tuebingen Variant Classification Criteria Version 2. Collection method: clinical testing. Allele origin: germline. Affected: yes. Observed: 1 variant allele.
Comment: RYR1: PM2

PreventionGenetics, part of Exact Sciences
Classification: Uncertain significance for RYR1-related condition. Last evaluated: 2025-10-09. Review status: criteria provided, single submitter. Criteria: ACMG Guidelines, 2015. Collection method: clinical testing. Allele origin: germline.
Comment: The RYR1 c.2687G>A variant is predicted to result in the amino acid substitution p.Arg896Gln. To our knowledge, this variant has not been reported in the literature. This variant is reported in 0.036% of alleles in individuals of European (Non-Finnish) descent in gnomAD. At this time, the clinical significance of this variant is uncertain due to the absence of conclusive functional and genetic evidence.

GeneDx
Classification: Uncertain significance. Last evaluated: 2025-09-30. Review status: criteria provided, single submitter. Criteria: GeneDx Variant Classification Process June 2021. Collection method: clinical testing. Allele origin: germline. Affected: yes.
Comment: In silico analysis supports that this missense variant has a deleterious effect on protein structure/function; Has not been previously published as pathogenic or benign to our knowledge; In silico analysis suggests this variant may impact gene splicing. In the absence of RNA/functional studies, the actual effect of this sequence change is unknown.

Labcorp Genetics (formerly Invitae), Labcorp
Classification: Uncertain significance for RYR1-related disorder. Last evaluated: 2025-01-29. Review status: criteria provided, single submitter. Criteria: Invitae Variant Classification Sherloc (09022015). Collection method: clinical testing. Allele origin: germline.
Comment: This sequence change replaces arginine, which is basic and polar, with glutamine, which is neutral and polar, at codon 896 of the RYR1 protein (p.Arg896Gln). This variant is present in population databases (rs147515913, gnomAD 0.03%). This variant has not been reported in the literature in individuals affected with RYR1-related conditions. ClinVar contains an entry for this variant (Variation ID: 590506). Invitae Evidence Modeling of protein sequence and biophysical properties (such as structural, functional, and spatial information, amino acid conservation, physicochemical variation, residue mobility, and thermodynamic stability) has been performed for this missense variant. However, the output from this modeling did not meet the statistical confidence thresholds required to predict the impact of this variant on RYR1 protein function. In summary, the available evidence is currently insufficient to determine the role of this variant in disease. Therefore, it has been classified as a Variant of Uncertain Significance.

All of Us Research Program, National Institutes of Health
Classification: Uncertain significance for Malignant hyperthermia, susceptibility to, 1. Last evaluated: 2024-09-23. Review status: criteria provided, single submitter. Criteria: ACMG Guidelines, 2015. Collection method: clinical testing. Allele origin: germline. Inheritance: Autosomal dominant inheritance. Observed: 59 variant alleles, 59 heterozygotes.
Comment: This missense variant replaces arginine with glutamine at codon 896 of the RYR1 protein. Computational prediction suggests that this variant may have deleterious impact on protein structure and function (internally defined REVEL score threshold >= 0.7, PMID: 27666373). To our knowledge, functional studies have not been reported for this variant. This variant has not been reported in individuals affected with malignant hyperthermia in the literature. This variant has been identified in 64/282826 chromosomes in the general population by the Genome Aggregation Database (gnomAD). The available evidence is insufficient to determine the role of this variant in disease conclusively. Therefore, this variant is classified as a Variant of Uncertain Significance.

This study involves interpretation of variants in research participants for the purpose of population health screening. Participant phenotype was not available at the time of variant classification. Additional details can be found in publication PMID: 35346344, PMCID: PMC8962531

Blueprint Genetics
Classification: Uncertain significance. Last evaluated: 2024-06-11. Review status: criteria provided, single submitter. Criteria: ACMG Guidelines, 2015. Collection method: clinical testing. Allele origin: germline.

Color Diagnostics, LLC DBA Color Health
Classification: Uncertain significance for Malignant hyperthermia, susceptibility to, 1. Last evaluated: 2024-02-15. Review status: criteria provided, single submitter. Criteria: ACMG Guidelines, 2015. Collection method: clinical testing. Allele origin: germline.
Comment: This missense variant replaces arginine with glutamine at codon 896 of the RYR1 protein. Computational prediction suggests that this variant may have deleterious impact on protein structure and function. To our knowledge, functional studies have not been reported for this variant. This variant has not been reported in individuals affected with malignant hyperthermia in the literature. This variant has been identified in 64/282826 chromosomes in the general population by the Genome Aggregation Database (gnomAD). The available evidence is insufficient to determine the role of this variant in disease conclusively. Therefore, this variant is classified as a Variant of Uncertain Significance.

Revvity Omics, Revvity
Classification: Uncertain significance. Last evaluated: 2023-06-07. Review status: criteria provided, single submitter. Criteria: ACMG Guidelines, 2015. Collection method: clinical testing. Allele origin: germline.

Women's Health and Genetics/Laboratory Corporation of America, LabCorp
Classification: Uncertain significance. Last evaluated: 2023-05-10. Review status: criteria provided, single submitter. Criteria: LabCorp Variant Classification Summary - May 2015. Collection method: clinical testing. Allele origin: germline.
Comment: Variant summary: RYR1 c.2687G>A (p.Arg896Gln) results in a conservative amino acid change located in the Ryanodine receptor Ryr (IPR003032) of the encoded protein sequence. Four of five in-silico tools predict a damaging effect of the variant on protein function. The variant allele was found at a frequency of 0.00024 in 251486 control chromosomes (gnomAD). The observed variant frequency is approximately 3 fold of the estimated maximal expected allele frequency for a pathogenic variant in RYR1 causing Malignant Hyperthermia Susceptibility phenotype (8.8e-05), suggesting that the variant is benign. To our knowledge, no occurrence of c.2687G>A in individuals affected with Malignant Hyperthermia Susceptibility and no experimental evidence demonstrating its impact on protein function have been reported. Eight ClinVar submitters have assessed the variant since 2014: all have classified the variant as uncertain significance. Based on the evidence outlined above, the variant was classified as VUS-possibly benign.

Laboratory of Medical Genetics, National & Kapodistrian University of Athens
Classification: Uncertain significance for Central core myopathy. Last evaluated: 2022-06-28. Review status: criteria provided, single submitter. Criteria: ACMG Guidelines, 2015. Collection method: clinical testing. Allele origin: germline. Affected: yes.
Comment: PM2, PP3

Fulgent Genetics
Classification: Uncertain significance for Central core myopathy; Malignant hyperthermia, susceptibility to, 1; Congenital myopathy 4A, autosomal dominant; Congenital multicore myopathy with external ophthalmoplegia; King Denborough syndrome. Last evaluated: 2021-08-12. Review status: criteria provided, single submitter. Criteria: ACMG Guidelines, 2015. Collection method: clinical testing. Allele origin: unknown.

Eurofins Ntd Llc (ga)
Classification: Uncertain significance. Last evaluated: 2018-05-29. Review status: criteria provided, single submitter. Criteria: EGL ClinVar v180209 classification definitions. Collection method: clinical testing. Allele origin: germline. Observed: 1 variant allele, 1 heterozygote.

Illumina Laboratory Services, Illumina
Classification: Uncertain significance for Congenital multicore myopathy with external ophthalmoplegia. Last evaluated: 2018-01-13. Review status: criteria provided, single submitter. Criteria: ICSL Variant Classification Criteria 13 December 2019. Collection method: clinical testing. Allele origin: germline.

Illumina Laboratory Services, Illumina
Classification: Uncertain significance for Malignant hyperthermia, susceptibility to, 1. Last evaluated: 2018-01-13. Review status: criteria provided, single submitter. Criteria: ICSL Variant Classification Criteria 13 December 2019. Collection method: clinical testing. Allele origin: germline.